The following is an entry in ClinVar:

ClinVar aggregate classification (germline): Pathogenic. Review status: criteria provided, multiple submitters, no conflicts (2 of 4 stars). 15 submissions from 11 submitters: Pathogenic (8). 7 of the submissions do not count toward it. Last evaluated 2025-11-26.
ClinVar aggregate classification (somatic clinical impact): Tier I - Strong. Review status: criteria provided, single submitter (1 of 4 stars). 5 submissions from 1 submitter. 1 of the submissions does not count toward it. Last evaluated 2025-03-05.
ClinVar aggregate classification (oncogenicity): Oncogenic. Review status: criteria provided, multiple submitters, no conflicts (2 of 4 stars). 3 submissions from 3 submitters. 1 of the submissions does not count toward it. Last evaluated 2026-10-16.

Conditions:
Vascular malformation. Also called: Vascular malformations. Identifiers: MedGen C0158570, MONDO:0024291.
NRAS-related disorder. Also called: NRAS-related condition.
Neurocutaneous melanocytosis (NCMS). Also called: NEUROMELANOSIS; NEUROCUTANEOUS MELANOSIS, SOMATIC. Identifiers: Orphanet 2481, MedGen C0544862, MONDO:0009578, OMIM 249400.
Large congenital melanocytic nevus (CMNS). Also called: MELANOCYTIC NEVUS SYNDROME, CONGENITAL, SOMATIC; Giant hairy nevus; Bathing trunk nevus; Congenital giant pigmented nevus; PIGMENTED MOLES; Giant congenital nevus. Identifiers: Orphanet 626, MedGen C1842036, MONDO:0044792, OMIM 137550, HP:0005600.
Colorectal cancer. Also called: Colorectal cancer, somatic; Malignant Colorectal Neoplasm. Identifiers: MedGen C0346629, MONDO:0005575, OMIM 114500.
Linear nevus sebaceous syndrome. Also called: SCHIMMELPENNING-FEUERSTEIN-MIMS SYNDROME, SOMATIC MOSAIC; NEVUS SEBACEUS OF JADASSOHN; Linear nevus sebaceous; Linear sebaceous nevus sequence; ORGANOID NEVUS PHAKOMATOSIS; SFM SYNDROME. Identifiers: Orphanet 2612, MedGen C4552097, MONDO:0008097, OMIM 163200, HP:0010817.
Epidermal nevus. Also called: Nevus, epidermal, somatic; NEVUS, KERATINOCYTIC, NONEPIDERMOLYTIC. Identifiers: Orphanet 79414, MedGen C0334082, MONDO:0008093, OMIM 162900, HP:0010816.
Noonan syndrome 6 (NS6). Also called: NRAS-Related Noonan Syndrome. Identifiers: Orphanet 648, MedGen C2750732, MONDO:0013186, OMIM 613224.
Non-small cell lung carcinoma (NSCLC). Also called: Non-small cell lung cancer. Identifiers: MedGen C0007131, MeSH D002289, MONDO:0005233, HP:0030358. Disease mechanism: Other.
Thyroid cancer, nonmedullary, 2 (NMTC2). Also called: Thyroid carcinoma, follicular, somatic; THYROID CANCER, NONMEDULLARY, 2, SUSCEPTIBILITY TO; THYROID CARCINOMA, FOLLICULAR. Identifiers: MedGen C4225426, MONDO:0008566, OMIM 188470.
Diffuse midline glioma, H3 K27M-mutant. Identifiers: MedGen C4289688, MONDO:0957196.
Follicular thyroid carcinoma. Also called: Thyroid gland follicular carcinoma; Thyroid cancer, follicular. Identifiers: MedGen C0206682, MONDO:0005034, HP:0006731.
Melanoma. Identifiers: MedGen C0025202, MeSH D008545, MONDO:0005105, HP:0002861.
Embryonal rhabdomyosarcoma (ERMS). Also called: Botryoid rhabdomyosarcoma (type of ERMS); Spindle cell rhabdomyosarcomas (type of ERMS). Identifiers: Orphanet 99757, MedGen C0206656, MONDO:0009993, HP:0006743.
Germinoma. Also called: Germinoma (disease). Identifiers: MedGen C0206660, MONDO:0002598, HP:0100620.
Nodal T-follicular helper cell lymphoma.
Neoplasm. Also called: tumor; Neoplasms; Neoplasm (disease). Identifiers: MedGen C0027651, MeSH D009369, MONDO:0005070, HP:0002664.
Acute myeloid leukemia (AML). Also called: Acute myeloid leukemia, adult; AML adult; Acute non-lymphocytic leukemia; Acute granulocytic leukemia; Leukemia, acute myeloid, somatic; Leukemia, acute myelogenous, somatic. Identifiers: Orphanet 519, MedGen C0023467, MeSH D015470, MONDO:0018874, OMIM 601626, HP:0004808. Disease mechanism: Constitutively activated FLT3.

Submissions 1 to 5 of 23:

Center for Virology of Infectious and Tropical Diseases (CVMIT), Mohammed V Military Teaching Hospital
Classification: Oncogenic for Acute myeloid leukemia. Last evaluated: 2026-10-16. Review status: criteria provided, single submitter. Criteria: ClinGen/CGC/VICC Guidelines for Oncogenicity, 2022. Collection method: research. Allele origin: somatic. Affected: yes. Observed: 1 variant allele.
Comment: NRAS p.Gln61Arg. Oncogenicity classified with the ClinGen/CGC/VICC SOP (Horak et al. 2022, PMID:35101336). Criteria applied: OS2: NRAS Q61R shows decreased intrinsic GTPase activity and enhanced nucleotide binding, and drives tumours in vivo (PMID:25252692); OS3: NRAS Q61 hotspot (422 tumours; Q61R in 204); concordant in silico predictions (CADD 25.7, AlphaMissense likely pathogenic 0.991, SIFT deleterious) (OP1); absent from gnomAD v4 (OP4). Total 10 points (Oncogenic). ClinVar at analysis (release 2022-07-09, used by Ion Reporter): Variation ID 13900, Pathogenic. Current record: ClinVar VCV000013900.23 (consulted 2026-10-29): germline classification Pathogenic; somatic oncogenicity Oncogenic; somatic clinical impact Tier I - Strong.

Dasa
Classification: Pathogenic. Last evaluated: 2025-11-26. Review status: criteria provided, single submitter. Criteria: DASA Assertion Criteria. Collection method: clinical testing. Allele origin: germline.
Comment: NM_002524.5(NRAS):c.182A>G (p.Gln61Arg) is a missense variant that results in the substitution of glutamine with arginine. The affected residue or protein region has prior evidence supporting clinical relevance. Functional evidence supports a deleterious effect on the gene or gene product (PMID: 32852896; PMID: 30542204; PMID: 16281072; PMID: 30992690; PMID: 30232126). This variant has been recurrently observed in individuals with related phenotype (PMID: 32852896; PMID: 30542204; PMID: 16281072; PMID: 30992690; PMID: 30232126). Multiple computational predictions support a deleterious effect on the gene or gene product. The variant is present at low frequency in population datasets. Based on the available data, this variant is classified as pathogenic.

Institute for Genomic Medicine (IGM) Clinical Laboratory, Nationwide Children's Hospital
Classification: Tier I - Strong for Embryonal rhabdomyosarcoma. Assertion type: diagnostic. Clinical significance: supports diagnosis. Last evaluated: 2025-03-05. Review status: criteria provided, single submitter. Criteria: AMP/ASCO/CAP Guidelines, 2017. Collection method: clinical testing. Allele origin: somatic. Affected: yes.
Comment: Variant has Tier I (strong) clinical significance as a diagnostic inclusion criterion in embryonal rhabdomyosarcoma, based on the following evidence: 1) Documented in one or more cancer databases (e.g., St. Jude Pecan, COSMIC, CIViC, OncoKB). 2) Appears in one or more well-established professional guidelines (e.g., World Health Organization [WHO]; National Comprehensive Cancer Network [NCCN]) as providing diagnostic, prognostic, or therapeutic information. 3) Information in the literature supports potential biologic effect of variant (PMIDs: 25252692, 35391614, 35944066). 4) Diagnostic for a specific tumor type/classification based on well-powered studies with expert-level consensus (Evidence Level B; PMIDs: 24436047, 34166060, 2680062, 19681119, 24332040, 25768946, 35705560, 35705558).

Center for Genomic Medicine, Rigshospitalet, Copenhagen University Hospital
Classification: Oncogenic for Neoplasm. Last evaluated: 2025-03-04. Review status: criteria provided, single submitter. Criteria: ClinGen/CGC/VICC Guidelines for Oncogenicity, 2022. Collection method: clinical testing. Allele origin: somatic. Affected: yes.

Institute for Genomic Medicine (IGM) Clinical Laboratory, Nationwide Children's Hospital
Classification: Tier II - Potential for Diffuse midline glioma, H3 K27M-mutant. Assertion type: diagnostic. Clinical significance: supports diagnosis. Last evaluated: 2024-12-12. Review status: criteria provided, single submitter. Criteria: AMP/ASCO/CAP Guidelines, 2017. Collection method: clinical testing. Allele origin: somatic. Affected: yes. Not counted in ClinVar's aggregate classification.
Comment: Variant has Tier II (potential) clinical significance as a diagnostic inclusion criterion in diffuse midline glioma, H3 K27M-mutant, based on the following evidence: 1) Documented in one or more cancer databases (e.g., St. Jude Pecan, COSMIC, CIViC, OncoKB). 2) Information in the literature supports potential biologic effect of variant (PMIDs: 35944066, 35391614, 25252692, 27664710). 3) Diagnostic significance based on multiple small studies (Evidence Level C; PMIDs: 24705254, 26727948, 28966033, 29967352).

NM_002524.5(NRAS):c.182A>G (p.Gln61Arg)

Gene: NRAS (NRAS proto-oncogene, GTPase; minus strand). Cytogenetic location: 1p13.2.
Variant type: single nucleotide variant.
Coding change: c.182A>G on transcript NM_002524.5 (MANE Select); coding-DNA position 182, A replaced by G.
Protein change: p.Gln61Arg; replaces glutamine 61 with arginine.
Molecular consequence: missense variant.
Genome position (GRCh38, 1-based): chr1:114,713,908, T>C on the plus strand (A>G on the coding strand, the complement: NRAS is on the minus strand). VCF-style: chr1-114713908-T-C. GRCh37 (hg19) VCF-style: chr1-115256529-T-C.
Other names: short protein forms Q61R.
Identifiers: ClinVar variation 13900 (VCV000013900.24), dbSNP rs11554290, ClinGen allele CA123618.
Genomic context (GRCh38, chr1:114,713,908, plus strand): 5'-ACACAGAGGAAGCCTTCGCCTGTCCTCATGTATTGGTCTCTCATGGCACTGTACTCTTCT[T>C]GTCCAGCTGTATCCAGTATGTCCAACAAACAGGTTTCACCATCTATAACCACTTGTTTTC-3'
Protein context (NP_002515.1, residues 51-71): CLLDILDTAG[Gln61Arg]EEYSAMRDQY